The following is an entry in ClinVar:

NM_001271.4(CHD2):c.4144G>A (p.Gly1382Ser)

Gene: CHD2 (chromodomain helicase DNA binding protein 2; plus strand). Cytogenetic location: 15q26.1.
Variant type: single nucleotide variant.
Coding change: c.4144G>A on transcript NM_001271.4 (MANE Select); coding-DNA position 4144, G replaced by A.
Protein change: p.Gly1382Ser; replaces glycine 1382 with serine.
Molecular consequence: missense variant.
Genome position (GRCh38, 1-based): chr15:93,002,183, G>A. VCF-style: chr15-93002183-G-A. GRCh37 (hg19) VCF-style: chr15-93545413-G-A.
Other names: short protein forms G1382S.
Identifiers: ClinVar variation 807320 (VCV000807320.43), dbSNP rs1472548207, ClinGen allele CA393900667.

ClinVar aggregate classification (germline): Uncertain significance. Review status: criteria provided, multiple submitters, no conflicts (2 of 4 stars). 2 submissions from 2 submitters: Uncertain significance (2). Last evaluated 2025-07-21.

Conditions:
Developmental and epileptic encephalopathy 94 (DEE94). Also called: Epileptic encephalopathy, childhood-onset; CHD2-Related Neurodevelopmental Disorders. Identifiers: Orphanet 1942, Orphanet 2382, MedGen C3809278, MONDO:0014150, OMIM 615369.

Allele frequency attached by ClinVar (database versions not stated): gnomAD exomes below 0.00001 and 0.00001; gnomAD 0.00001; TOPMed 0.00002.
gnomAD v4.1: 7 of 1,586,472 alleles (0.00044%); highest among the groups gnomAD compares: Admixed American, 0.0019%; no homozygotes.

Submissions (2):

Labcorp Genetics (formerly Invitae), Labcorp
Classification: Uncertain significance for Developmental and epileptic encephalopathy 94. Last evaluated: 2025-07-21. Review status: criteria provided, single submitter. Criteria: Invitae Variant Classification Sherloc (09022015). Collection method: clinical testing. Allele origin: germline.
Comment: This sequence change replaces glycine, which is neutral and non-polar, with serine, which is neutral and polar, at codon 1382 of the CHD2 protein (p.Gly1382Ser). This variant is present in population databases (no rsID available, gnomAD 0.004%). This variant has not been reported in the literature in individuals affected with CHD2-related conditions. ClinVar contains an entry for this variant (Variation ID: 807320). Invitae Evidence Modeling of protein sequence and biophysical properties (such as structural, functional, and spatial information, amino acid conservation, physicochemical variation, residue mobility, and thermodynamic stability) indicates that this missense variant is not expected to disrupt CHD2 protein function with a negative predictive value of 95%. In summary, the available evidence is currently insufficient to determine the role of this variant in disease. Therefore, it has been classified as a Variant of Uncertain Significance.

CeGaT Center for Human Genetics Tuebingen
Classification: Uncertain significance. Last evaluated: 2019-03-01. Review status: criteria provided, single submitter. Criteria: CeGaT Center For Human Genetics Tuebingen Variant Classification Criteria Version 2. Collection method: clinical testing. Allele origin: germline. Affected: yes. Observed: 1 variant allele.